The following is an entry in ClinVar:

NM_000553.6(WRN):c.587G>C (p.Arg196Pro)

Gene: WRN (WRN RecQ like helicase; plus strand). Cytogenetic location: 8p12.
Variant type: single nucleotide variant.
Coding change: c.587G>C on transcript NM_000553.6 (MANE Select); coding-DNA position 587, G replaced by C.
Protein change: p.Arg196Pro; replaces arginine 196 with proline.
Molecular consequence: missense variant.
Genome position (GRCh38, 1-based): chr8:31,067,115, G>C. VCF-style: chr8-31067115-G-C. GRCh37 (hg19) VCF-style: chr8-30924631-G-C.
Other names: short protein forms R196P.
Identifiers: ClinVar variation 2820106 (VCV002820106.3), dbSNP rs561603992, ClinGen allele CA370916173.
Genomic context (GRCh38, chr8:31,067,115, plus strand): 5'-GCCTTAACAGTCTGGTTAAACACCTCTTAGGTAAACAGCTCCTGAAAGACAAGTCTATCC[G>C]CTGTAGCAATTGGAGTAAATTTCCTCTCACTGAGGACCAGAAACTGTATGCAGCCACTGA-3'
Protein context (NP_000544.2, residues 186-206): GKQLLKDKSI[Arg196Pro]CSNWSKFPLT

ClinVar aggregate classification (germline): Uncertain significance (1 of 4 stars; one submission).

Conditions:
Werner syndrome (WRN). Identifiers: Orphanet 902, MedGen C0043119, MONDO:0010196, OMIM 277700.

Submission:

Labcorp Genetics (formerly Invitae), Labcorp
Classification: Uncertain significance for Werner syndrome. Last evaluated: 2022-12-11. Review status: criteria provided, single submitter. Criteria: Invitae Variant Classification Sherloc (09022015). Collection method: clinical testing. Allele origin: germline.
Comment: In summary, the available evidence is currently insufficient to determine the role of this variant in disease. Therefore, it has been classified as a Variant of Uncertain Significance. Algorithms developed to predict the effect of missense changes on protein structure and function are either unavailable or do not agree on the potential impact of this missense change (SIFT: "Not Available"; PolyPhen-2: "Probably Damaging"; Align-GVGD: "Not Available"). This variant has not been reported in the literature in individuals affected with WRN-related conditions. This variant is not present in population databases (gnomAD no frequency). This sequence change replaces arginine, which is basic and polar, with proline, which is neutral and non-polar, at codon 196 of the WRN protein (p.Arg196Pro).